The following is an entry in ClinVar:

ClinVar aggregate classification (germline): Benign/Likely benign. Review status: criteria provided, multiple submitters, no conflicts (2 of 4 stars). 4 submissions from 4 submitters: Benign (1); Likely benign (3). Last evaluated 2025-10-24.

Allele frequency attached by ClinVar (database versions not stated): gnomAD 0.00033 and 0.00001; gnomAD exomes 0.00057 and 0.00116; 1000 Genomes Project 0.00100; ExAC 0.00134; 1000 Genomes Project 30x 0.00156; TOPMed 0.00005.
gnomAD v4.1: 879 of 1,614,026 alleles (0.054%); highest among the groups gnomAD compares: South Asian, 0.93%; 14 homozygotes.

Submissions (4):

Labcorp Genetics (formerly Invitae), Labcorp
Classification: Benign. Last evaluated: 2025-10-24. Review status: criteria provided, single submitter. Criteria: Invitae Variant Classification Sherloc (09022015). Collection method: clinical testing. Allele origin: germline.

CeGaT Center for Human Genetics Tuebingen
Classification: Likely benign. Last evaluated: 2025-03-01. Review status: criteria provided, single submitter. Criteria: CeGaT Center For Human Genetics Tuebingen Variant Classification Criteria Version 2. Collection method: clinical testing. Allele origin: germline. Affected: yes. Observed: 1 variant allele.
Comment: CPAP: BP4, BP7, BS2

Blueprint Genetics
Classification: Likely benign. Last evaluated: 2024-04-19. Review status: criteria provided, single submitter. Criteria: ACMG Guidelines, 2015. Collection method: clinical testing. Allele origin: germline.

Genetic Services Laboratory, University of Chicago
Classification: Likely benign. Last evaluated: 2016-01-12. Review status: criteria provided, single submitter. Criteria: ACMG Guidelines, 2015. Collection method: clinical testing. Allele origin: germline. Affected: no.

NM_018451.5(CPAP):c.810A>G (p.Gln270=)

Gene: CPAP (centrosome assembly and centriole elongation protein; minus strand). Cytogenetic location: 13q12.13.
Variant type: single nucleotide variant.
Coding change: c.810A>G on transcript NM_018451.5 (MANE Select); coding-DNA position 810, A replaced by G.
Protein change: p.Gln270=; no amino-acid change (glutamine 270 retained).
Molecular consequence: synonymous variant. On other transcripts: non-coding transcript variant (2).
Genome position (GRCh38, 1-based): chr13:24,909,845, T>C on the plus strand (A>G on the coding strand, the complement: CPAP is on the minus strand). VCF-style: chr13-24909845-T-C. GRCh37 (hg19) VCF-style: chr13-25483983-T-C.
Identifiers: ClinVar variation 158221 (VCV000158221.24), dbSNP rs572213217, ClinGen allele CA271275.
Genomic context (GRCh38, chr13:24,909,845, plus strand): 5'-CTCACCTGTAGGATGGTTACGGTTTTCTTCTTTTAAATTATTTTTTTCCACAGGTGCTTC[T>C]TGATACTGTGCCTCAGAAAATAAATTAGGAGACGCACGTTTTGAAGTTAAGACAAAATCT-3'
Protein context (NP_060921.3, residues 260-280): SPNLFSEAQY[Gln270=]EAPVEKNNLK